The following is an entry in ClinVar:

NC_000003.12:g.815642_1022142del

Genes: LINC01266 (long intergenic non-protein coding RNA 1266; plus strand), LOC129936035 (ATAC-STARR-seq lymphoblastoid silent region 14006; plus strand). Cytogenetic location: 3p26.3.
Variant type: Deletion.
Identifiers: ClinVar variation 156837 (VCV000156837.3).

ClinVar aggregate classification (germline): not provided (0 of 4 stars; one submission).

Conditions:
Gestational diabetes mellitus uncontrolled. Identifiers: MedGen C3532257.

Submission:

Institute of Molecular and Cell Biology, University of Tartu
No classification provided. Condition: Gestational diabetes mellitus uncontrolled. Review status: no classification provided. Collection method: case-control. Allele origin: unknown. Affected: yes. Study: Kasak2014.
Comment: The study aimed to determine the contribution of copy number variants in the genetic etiology of normal and complicated pregnancies. The samples represented (i) maternal blood DNA drawn from healthy pregnant women during 1st or 2nd trimester and (ii) maternal and paternal blood DNA drawn at term pregnancy cases representing normal and complicated gestations (severe preeclampsia, PE; gestational diabetes, GD; small-for-gestational age newborn, SGA; large-for-gestational age newborn, LGA). We performed CNV calling based on genome-wide genotyping dataset (Illumina HumanOmniExpress-24-v1 BeadChip) by applying three algorithms, QuantiSNP, GADA (Genome Alteration Detection Algorithm) and CNstream in parallel. The acquired CNV calls were merged with HD-CNV (Hotspot Detector for Copy Number Variants) program and only the CNVs predicted by at least two programs, were considered in subsequent analysis.

Literature cited by the submitters: PubMed 25666259.